The following is an entry in ClinVar:

NM_003072.5(SMARCA4):c.3081+3_3081+4delinsCA

Gene: SMARCA4 (SWI/SNF related BAF chromatin remodeling complex subunit ATPase 4; plus strand). Cytogenetic location: 19p13.2.
Variant type: Indel.
Coding change: c.3081+3_3081+4delinsCA on transcript NM_003072.5 (MANE Select); bases 3 to 4 of the intron after coding-DNA position 3081, GG replaced by CA.
Molecular consequence: intron variant.
Genome position (GRCh38, 1-based): chr19:11,024,441-11,024,442, GG replaced by CA. VCF-style: chr19-11024441-GG-CA. GRCh37 (hg19) VCF-style: chr19-11135117-GG-CA.
Other names: c.3081+3_3081+4delinsCA (NM_001128844.3, NM_001128849.3, NM_001128847.4 and 5 more transcripts).
Identifiers: ClinVar variation 537829 (VCV000537829.12), dbSNP rs1555780058, ClinGen allele CA658799125.

ClinVar aggregate classification (germline): Conflicting classifications of pathogenicity. Review status: criteria provided, conflicting classifications (1 of 4 stars). 2 submissions from 2 submitters: Uncertain significance (1); Likely benign (1). Last evaluated 2026-03-17.

Conditions:
Hereditary cancer-predisposing syndrome. Also called: Tumor predisposition; Hereditary neoplastic syndrome; Neoplastic Syndromes, Hereditary; Hereditary Cancer Syndrome. Identifiers: Orphanet 140162, MedGen C0027672, MeSH D009386, MONDO:0015356.
Rhabdoid tumor predisposition syndrome 2 (RTPS2). Identifiers: Orphanet 231108, Orphanet 69077, MedGen C2750074, MONDO:0013224, OMIM 613325.

Submissions (2):

Ambry Genetics
Classification: Likely benign for Hereditary cancer-predisposing syndrome. Last evaluated: 2026-03-17. Review status: criteria provided, single submitter. Criteria: Ambry Variant Classification Scheme 2023. Collection method: clinical testing. Allele origin: germline.

Labcorp Genetics (formerly Invitae), Labcorp
Classification: Uncertain significance for Rhabdoid tumor predisposition syndrome 2. Last evaluated: 2025-07-31. Review status: criteria provided, single submitter. Criteria: Invitae Variant Classification Sherloc (09022015). Collection method: clinical testing. Allele origin: germline.
Comment: This sequence change falls in intron 21 of the SMARCA4 gene. It does not directly change the encoded amino acid sequence of the SMARCA4 protein. It affects a nucleotide within the consensus splice site. Information on the frequency of this variant in the gnomAD database is not available, as this variant may be reported differently in the database. This variant has not been reported in the literature in individuals affected with SMARCA4-related conditions. ClinVar contains an entry for this variant (Variation ID: 537829). Variants that disrupt the consensus splice site are a relatively common cause of aberrant splicing (PMID: 17576681, 9536098). In summary, the available evidence is currently insufficient to determine the role of this variant in disease. Therefore, it has been classified as a Variant of Uncertain Significance.

Literature cited by the submitters: PubMed 17576681 (cited by Labcorp Genetics (formerly Invitae), Labcorp); PubMed 9536098 (cited by Labcorp Genetics (formerly Invitae), Labcorp).